The following is an entry in ClinVar:

NM_001365951.3(KIF1B):c.*3930C>T

Gene: KIF1B (kinesin family member 1B; plus strand). Cytogenetic location: 1p36.22.
Variant type: single nucleotide variant.
Coding change: c.*3930C>T on transcript NM_001365951.3 (MANE Select); 3930 bases downstream of the stop codon, C replaced by T.
Molecular consequence: 3 prime UTR variant.
Genome position (GRCh38, 1-based): chr1:10,380,517, C>T. VCF-style: chr1-10380517-C-T. GRCh37 (hg19) VCF-style: chr1-10440575-C-T.
Other names: c.*3930C>T (NM_001365952.1, NM_015074.3).
Identifiers: ClinVar variation 291653 (VCV000291653.5), dbSNP rs549049444, ClinGen allele CA10607269.

ClinVar aggregate classification (germline): Likely benign (1 of 4 stars; one submission).

Conditions:
Neuroblastoma (NB). Identifiers: Orphanet 635, MedGen C0027819, MeSH D009447, MONDO:0005072, HP:0003006.

Allele frequency attached by ClinVar (database versions not stated): gnomAD exomes 0.00038; 1000 Genomes Project 30x 0.00109; 1000 Genomes Project 0.00120; gnomAD 0.00194 and 0.00216; TOPMed 0.00199.
gnomAD v4.1: 309 of 181,142 alleles (0.17%); highest among the groups gnomAD compares: African/African-American, 0.69%; 1 homozygote.

Submission:

Illumina Laboratory Services, Illumina
Classification: Likely benign for Neuroblastoma. Last evaluated: 2018-01-12. Review status: criteria provided, single submitter. Criteria: ICSL Variant Classification Criteria 13 December 2019. Collection method: clinical testing. Allele origin: germline.
Comment: This variant was observed in the ICSL laboratory as part of a predisposition screen in an ostensibly healthy population. It had not been previously curated by ICSL or reported in the Human Gene Mutation Database (HGMD: prior to June 1st, 2018), and was therefore a candidate for classification through an automated scoring system. Utilizing variant allele frequency, disease prevalence and penetrance estimates, and inheritance mode, an automated score was calculated to assess if this variant is too frequent to cause the disease. Based on the score and internal cut-off values, a variant classified as likely benign is not then subjected to further curation. The score for this variant resulted in a classification of likely benign for this disease.